The following is an entry in ClinVar:

ClinVar aggregate classification (germline): Pathogenic (1 of 4 stars; one submission).

Conditions:
Joubert syndrome. Also called: JOUBERT-BOLTSHAUSER SYNDROME; Familial aplasia of the vermis. Identifiers: Orphanet 475, MedGen C5979921, MONDO:0018772.
Meckel-Gruber syndrome. Also called: DYSENCEPHALIA SPLANCHNOCYSTICA; GRUBER SYNDROME; Dysencephalia splachnocystica. Identifiers: Orphanet 564, MedGen C0265215, MONDO:0018921.

Submission:

Labcorp Genetics (formerly Invitae), Labcorp
Classification: Pathogenic for Joubert syndrome; Meckel-Gruber syndrome. Last evaluated: 2025-05-16. Review status: criteria provided, single submitter. Criteria: Invitae Variant Classification Sherloc (09022015). Collection method: clinical testing. Allele origin: germline.
Comment: This sequence change inserts a large fragment of DNA, likely a transposable element, in exon 7 of the CC2D2A gene (c.418_419ins?), causing a frameshift at codon 140 (p.Glu140fs). The exact size and sequence of the insertion cannot be determined by the current assay. However, the insertion is expected to result in an absent or disrupted protein product. This variant is not present in population databases (gnomAD no frequency). A similar variant has been observed in individual(s) with clinical features of Meckel-Gruber syndrome (PMID: 28374938). ClinVar contains an entry for this variant (Variation ID: 1075055). Algorithms developed to predict the effect of sequence changes on RNA splicing suggest that this variant may disrupt the consensus splice site. Retrotransposon insertions including LINE1 (L1), Alu, and SVA (SINE-VNTR-Alu) have been reported to be disease-causing through disruption of either a coding region or splice site (PMID: 19763152, 20307669, 22406018) and loss-of-function variants in CC2D2A are known to be pathogenic (PMID: 19777577). For these reasons, this variant has been classified as Pathogenic.

Literature cited by the submitters: PubMed 28374938; PubMed 19763152; PubMed 20307669; PubMed 22406018; PubMed 19777577.

NM_001378615.1(CC2D2A):c.418_419insGAGGGAGGAGCCAAGATGGCCGAATAGGAACAGCTCCGGTCTACAGCTCCCAGCGTGAGCGACGCAGAAGACGGTGATTTCTGCATCTCCATCTGAGGTACCGGGTTCATNNNNNNNNNNAAAAAAAAAAAAAAAAAAAAAAGAAAGAATTGG (p.Glu140delinsGlyGlyArgSerGlnAspGlyArgIleGlyThrAlaProValTyrSerSerGlnArgGluArgArgArgArgArgTer)

Genes: FBXL5 (F-box and leucine rich repeat protein 5; minus strand), CC2D2A (coiled-coil and C2 domain containing 2A; plus strand). Cytogenetic location: 4p15.32.
Variant type: Microsatellite.
Coding change: c.418_419insGAGGGAGGAGCCAAGATGGCCGAATAGGAACAGCTCCGGTCTACAGCTCCCAGCGTGAGCGACGCAGAAGACGGTGATTTCTGCATCTCCATCTGAGGTACCGGGTTCATNNNNNNNNNNAAAAAAAAAAAAAAAAAAAAAAGAAAGAATTGG on transcript NM_001378615.1 (MANE Select); coding-DNA positions 418 to 419, GAGGGAGGAGCCAAGATGGCCGAATAGGAACAGCTCCGGTCTACAGCTCCCAGCGTGAGCGACGCAGAAGACGGTGATTTCTGCATCTCCATCTGAGGTACCGGGTTCATNNNNNNNNNNAAAAAAAAAAAAAAAAAAAAAAGAAAGAATTGG inserted.
Protein change: p.Glu140delinsGlyGlyArgSerGlnAspGlyArgIleGlyThrAlaProValTyrSerSerGlnArgGluArgArgArgArgArgTer.
Molecular consequence: nonsense.
Genome position: GRCh38: chr4:15,502,891-15,502,903. GRCh37 (hg19): chr4:15,504,514-15,504,526.
Other names: c.271_272insGAGGGAGGAGCCAAGATGGCCGAATAGGAACAGCTCCGGTCTACAGCTCCCAGCGTGAGCGACGCAGAAGACGGTGATTTCTGCATCTCCATCTGAGGTACCGGGTTCATNNNNNNNNNNAAAAAAAAAAAAAAAAAAAAAAGAAAGAATTGG, p.Glu91delinsGlyGlyArgSerGlnAspGlyArgIleGlyThrAlaProValTyrSerSerGlnArgGluArgArgArgArgArgTer (NM_001378617.1); c.418_419insGAGGGAGGAGCCAAGATGGCCGAATAGGAACAGCTCCGGTCTACAGCTCCCAGCGTGAGCGACGCAGAAGACGGTGATTTCTGCATCTCCATCTGAGGTACCGGGTTCATNNNNNNNNNNAAAAAAAAAAAAAAAAAAAAAAGAAAGAATTGG, p.Glu140delinsGlyGlyArgSerGlnAspGlyArgIleGlyThrAlaProValTyrSerSerGlnArgGluArgArgArgArgArgTer (NM_001080522.2).
Identifiers: ClinVar variation 1075055 (VCV001075055.7).